The following is an entry in ClinVar:

NM_000016.6(ACADM):c.348T>A (p.Cys116Ter)

Gene: ACADM (acyl-CoA dehydrogenase medium chain; plus strand). Cytogenetic location: 1p31.1.
Variant type: single nucleotide variant.
Coding change: c.348T>A on transcript NM_000016.6 (MANE Select); coding-DNA position 348, T replaced by A.
Protein change: p.Cys116Ter; replaces cysteine 116 with a stop codon.
Molecular consequence: nonsense. On other transcripts: intron variant (1).
Genome position (GRCh38, 1-based): chr1:75,733,589, T>A. VCF-style: chr1-75733589-T-A. GRCh37 (hg19) VCF-style: chr1-76199274-T-A.
Other names: c.360T>A, p.Cys120Ter (NM_001127328.3); c.240T>A, p.Cys80Ter (NM_001286042.2); c.447T>A, p.Cys149Ter (NM_001286043.2); c.-100+667T>A (NM_001286044.2); short protein forms C116*, C120*, C149*, C80*.
Identifiers: ClinVar variation 1726962 (VCV001726962.2), dbSNP rs2100365971, ClinGen allele CA340812329.

ClinVar aggregate classification (germline): Likely pathogenic (1 of 4 stars; one submission).

Conditions:
Medium-chain acyl-coenzyme A dehydrogenase deficiency (ACADMD). Also called: MCADD; CARNITINE DEFICIENCY SECONDARY TO MEDIUM-CHAIN ACYL-CoA DEHYDROGENASE DEFICIENCY; MCAD Deficiency; MCADH DEFICIENCY; Medium chain acyl-CoA dehydrogenase deficiency; ACADM DEFICIENCY. Identifiers: Orphanet 42, MedGen C0220710, MONDO:0008721, OMIM 201450.

Submission:

Myriad Genetics, Inc.
Classification: Likely pathogenic for Medium-chain acyl-coenzyme A dehydrogenase deficiency. Last evaluated: 2022-01-02. Review status: criteria provided, single submitter. Criteria: Myriad Women's Health Autosomal Recessive and X-Linked Classification Criteria (2021). Collection method: clinical testing. Allele origin: unknown.
Comment: NM_000016.4(ACADM):c.348T>A(C116*) is expected to be pathogenic in the context of medium chain acyl-CoA dehydrogenase deficiency. This variant is predicted to lead to an abnormal or absent protein product due to the creation of a premature termination codon in ACADM, a gene where loss-of-function variants are known to be pathogenic. Please note: this variant was assessed in the context of healthy population screening.